The following is an entry in ClinVar:

ClinVar aggregate classification (germline): Uncertain significance (1 of 4 stars; one submission).

Conditions:
Hereditary cancer-predisposing syndrome. Also called: Tumor predisposition; Hereditary Cancer Syndrome; Hereditary neoplastic syndrome; Neoplastic Syndromes, Hereditary. Identifiers: Orphanet 140162, MedGen C0027672, MeSH D009386, MONDO:0015356.

Submission:

Ambry Genetics
Classification: Uncertain significance for Hereditary cancer-predisposing syndrome. Last evaluated: 2017-04-04. Review status: criteria provided, single submitter. Criteria: Ambry Variant Classification Scheme 2023. Collection method: clinical testing. Allele origin: germline.
Comment: The p.S1581F variant (also known as c.4742C>T), located in coding exon 15 of the APC gene, results from a C to T substitution at nucleotide position 4742. The serine at codon 1581 is replaced by phenylalanine, an amino acid with highly dissimilar properties. This amino acid position is highly conserved in available vertebrate species. In addition, in silico predictors for this gene do not accurately predict pathogenicity. Since supporting evidence is conflicting at this time, the clinical significance of this alteration remains unclear.

NM_000038.6(APC):c.4742C>T (p.Ser1581Phe)

Gene: APC (APC regulator of Wnt signaling pathway; plus strand). Cytogenetic location: 5q22.2.
Variant type: single nucleotide variant.
Coding change: c.4742C>T on transcript NM_000038.6 (MANE Select); coding-DNA position 4742, C replaced by T.
Protein change: p.Ser1581Phe; replaces serine 1581 with phenylalanine.
Molecular consequence: missense variant.
Genome position (GRCh38, 1-based): chr5:112,840,336, C>T. VCF-style: chr5-112840336-C-T. GRCh37 (hg19) VCF-style: chr5-112176033-C-T.
Other names: c.4742C>T, p.Ser1581Phe (NM_001127510.3, NM_001354895.2); c.4688C>T, p.Ser1563Phe (NM_001127511.3); c.4796C>T, p.Ser1599Phe (NM_001354896.2); c.4772C>T, p.Ser1591Phe (NM_001354897.2); c.4667C>T, p.Ser1556Phe (NM_001354898.2); c.4658C>T, p.Ser1553Phe (NM_001354899.2); c.4619C>T, p.Ser1540Phe (NM_001354900.2); c.4565C>T, p.Ser1522Phe (NM_001354901.2); and 5 more; short protein forms S1581F, S1563F, S1553F, S1490F, S1522F, S1556F, S1421F, S1455F.
Identifiers: ClinVar variation 487051 (VCV000487051.5), dbSNP rs377169217, ClinGen allele CA16031733.